The following is an entry in ClinVar:

NM_005327.7(HADH):c.761A>G (p.Tyr254Cys)

Gene: HADH (hydroxyacyl-CoA dehydrogenase; plus strand). Cytogenetic location: 4q25.
Variant type: single nucleotide variant.
Coding change: c.761A>G on transcript NM_005327.7 (MANE Select); coding-DNA position 761, A replaced by G.
Protein change: p.Tyr254Cys; replaces tyrosine 254 with cysteine.
Molecular consequence: missense variant.
Genome position (GRCh38, 1-based): chr4:108,033,227, A>G. VCF-style: chr4-108033227-A-G. GRCh37 (hg19) VCF-style: chr4-108954383-A-G.
Other names: c.812A>G, p.Tyr271Cys (NM_001184705.4); c.773A>G, p.Tyr258Cys (NM_001331027.2); short protein forms Y254C, Y258C, Y271C.
Identifiers: ClinVar variation 1009098 (VCV001009098.6), dbSNP rs771071992, ClinGen allele CA3037622.

ClinVar aggregate classification (germline): Conflicting classifications of pathogenicity. Review status: criteria provided, conflicting classifications (1 of 4 stars). 2 submissions from 2 submitters: Likely risk allele (1); Uncertain significance (1). Last evaluated 2020-03-04.

Conditions:
Hyperinsulinemic hypoglycemia. Also called: Hyperinsulinemia hypoglycemia; Hyperinsulinemic hypoglycemia (disease). Identifiers: Orphanet 443095, MedGen C1864903, MONDO:0005803, HP:0000825.
Deficiency of 3-hydroxyacyl-CoA dehydrogenase. Also called: 3-hydroxyacyl-CoA dehydrogenase deficiency; HADH DEFICIENCY. Identifiers: Orphanet 309127, Orphanet 71212, MedGen C1291230, MONDO:0017715, OMIM 231530.

Allele frequency attached by ClinVar (database versions not stated): TOPMed below 0.00001; ExAC 0.00001; gnomAD 0.00001; gnomAD exomes 0.00001.
gnomAD v4.1: 10 of 1,611,082 alleles (0.00062%); highest among the groups gnomAD compares: African/African-American, 0.0013%; no homozygotes.

Submissions (2):

Labcorp Genetics (formerly Invitae), Labcorp
Classification: Uncertain significance for Deficiency of 3-hydroxyacyl-CoA dehydrogenase. Last evaluated: 2020-03-04. Review status: criteria provided, single submitter. Criteria: Invitae Variant Classification Sherloc (09022015). Collection method: clinical testing. Allele origin: germline.
Comment: In summary, the available evidence is currently insufficient to determine the role of this variant in disease. Therefore, it has been classified as a Variant of Uncertain Significance. Algorithms developed to predict the effect of missense changes on protein structure and function (SIFT, PolyPhen-2, Align-GVGD) all suggest that this variant is likely to be disruptive, but these predictions have not been confirmed by published functional studies and their clinical significance is uncertain. This variant has not been reported in the literature in individuals with HADH-related conditions. This variant is present in population databases (rs771071992, ExAC 0.001%). This sequence change replaces tyrosine with cysteine at codon 254 of the HADH protein (p.Tyr254Cys). The tyrosine residue is highly conserved and there is a large physicochemical difference between tyrosine and cysteine.

Clinical Genomics, Uppaluri K&H Personalized Medicine Clinic
Classification: Likely risk allele for Hyperinsulinemic hypoglycemia. Review status: criteria provided, single submitter. Criteria: K & H Uppaluri Personalized Medicine Clinic Variant Classification & Assertion Criteria_Updated V.1. Collection method: research. Allele origin: unknown. Inheritance: Autosomal recessive inheritance.
Comment: Potent mutations in HADH gene are associated with congenital hyperinsulinism, which leads to recurrent hypoglycemia. The condition is exacerbated by stress, fasting or excessive dietary protein. May respond well to diazoxide. However, the role of this particular variant rs771071992 in congenital hyperinsulinism is yet to be ascertained.

Literature cited by the submitters: PubMed 34547194 (cited by Clinical Genomics, Uppaluri K&H Personalized Medicine Clinic); PubMed 34055426 (cited by Clinical Genomics, Uppaluri K&H Personalized Medicine Clinic); PubMed 29280746 (cited by Clinical Genomics, Uppaluri K&H Personalized Medicine Clinic).